The following is an entry in ClinVar:

ClinVar aggregate classification (germline): Uncertain significance (1 of 4 stars; one submission).

Submission:

Labcorp Genetics (formerly Invitae), Labcorp
Classification: Uncertain significance. Last evaluated: 2022-08-15. Review status: criteria provided, single submitter. Criteria: Invitae Variant Classification Sherloc (09022015). Collection method: clinical testing. Allele origin: germline.
Comment: This sequence change replaces glutamine, which is neutral and polar, with lysine, which is basic and polar, at codon 687 of the CDK5RAP2 protein (p.Gln687Lys). This variant is not present in population databases (gnomAD no frequency). This variant has not been reported in the literature in individuals affected with CDK5RAP2-related conditions. Algorithms developed to predict the effect of missense changes on protein structure and function are either unavailable or do not agree on the potential impact of this missense change (SIFT: "Tolerated"; PolyPhen-2: "Possibly Damaging"; Align-GVGD: "Class C0"). In summary, the available evidence is currently insufficient to determine the role of this variant in disease. Therefore, it has been classified as a Variant of Uncertain Significance.

NM_018249.6(CDK5RAP2):c.2059C>A (p.Gln687Lys)

Gene: CDK5RAP2 (CDK5 regulatory subunit associated protein 2; minus strand). Cytogenetic location: 9q33.2.
Variant type: single nucleotide variant.
Coding change: c.2059C>A on transcript NM_018249.6 (MANE Select); coding-DNA position 2059, C replaced by A.
Protein change: p.Gln687Lys; replaces glutamine 687 with lysine.
Molecular consequence: missense variant. On other transcripts: non-coding transcript variant (5).
Genome position (GRCh38, 1-based): chr9:120,467,907, G>T on the plus strand (C>A on the coding strand, the complement: CDK5RAP2 is on the minus strand). VCF-style: chr9-120467907-G-T. GRCh37 (hg19) VCF-style: chr9-123230185-G-T.
Other names: c.2059C>A, p.Gln687Lys (NM_001011649.3, NM_001410993.1); c.2056C>A, p.Gln686Lys (NM_001272039.2, NM_001410992.1, NM_001410994.1); short protein forms Q687K, Q686K.
Identifiers: ClinVar variation 2087590 (VCV002087590.4), dbSNP rs1215935897, ClinGen allele CA374705723.
Genomic context (GRCh38, chr9:120,467,907, plus strand): 5'-AAATGTTTCTTACCTCTGTTTGTTCTGTAGACGCAAGTCTATCTGGAAACCCATTTCCCT[G>T]GAAACCCATGCAGGAGAGATCAAAAATGGTTTTCTTCAGGTGCTGGTTGTCTGTATACAG-3'
Protein context (NP_060719.4, residues 677-697): TIFDLSCMGF[Gln687Lys]GNGFPDRLAS